The following is an entry in ClinVar:

ClinVar aggregate classification (germline): Conflicting classifications of pathogenicity. Review status: criteria provided, conflicting classifications (1 of 4 stars). 2 submissions from 2 submitters: Uncertain significance (1); Likely benign (1). Last evaluated 2026-01-07.

Conditions:
Familial cancer of breast. Also called: Hereditary breast cancer; BREAST CANCER, FAMILIAL; hereditary breast carcinoma. Identifiers: Orphanet 227535, MedGen C0346153, MONDO:0016419, OMIM 114480. Disease mechanism: loss of function.

gnomAD v4.1: 2 of 1,540,470 alleles (0.00013%); highest among the groups gnomAD compares: Non-Finnish European, 0.00018%; no homozygotes.

Submissions (2):

Labcorp Genetics (formerly Invitae), Labcorp
Classification: Likely benign for Familial cancer of breast. Last evaluated: 2026-01-07. Review status: criteria provided, single submitter. Criteria: Invitae Variant Classification Sherloc (09022015). Collection method: clinical testing. Allele origin: germline.

GeneDx
Classification: Uncertain significance. Last evaluated: 2022-08-31. Review status: criteria provided, single submitter. Criteria: GeneDx Variant Classification Process June 2021. Collection method: clinical testing. Allele origin: germline. Affected: yes.
Comment: Not observed at significant frequency in large population cohorts (gnomAD); Has not been previously published as pathogenic or benign to our knowledge; In-silico analysis is inconclusive as to whether the variant alters gene splicing. In the absence of RNA/functional studies, the actual effect of this sequence change is unknown.

NM_007194.4(CHEK2):c.847-12C>G

Gene: CHEK2 (checkpoint kinase 2; minus strand). Cytogenetic location: 22q12.1.
Variant type: single nucleotide variant.
Coding change: c.847-12C>G on transcript NM_007194.4 (MANE Select); 12 bases into the intron before coding-DNA position 847, C replaced by G.
Molecular consequence: intron variant.
Genome position (GRCh38, 1-based): chr22:28,703,578, G>C on the plus strand (C>G on the coding strand, the complement: CHEK2 is on the minus strand). VCF-style: chr22-28703578-G-C. GRCh37 (hg19) VCF-style: chr22-29099566-G-C.
Other names: c.184-12C>G (NM_001437942.1, NM_001257387.3); c.646-12C>G (NM_001349956.3); c.847-12C>G (NM_145862.3); c.940-12C>G (NM_001438295.1, NM_001438293.1); c.976-12C>G (NM_001438294.1, NM_001005735.3).
Identifiers: ClinVar variation 1587096 (VCV001587096.10), dbSNP rs769724628, ClinGen allele CA2573158054.